The following is an entry in ClinVar:

ClinVar aggregate classification (germline): Benign. Review status: reviewed by expert panel (3 of 4 stars). 12 submissions from 12 submitters: Benign (1). 11 of the submissions do not count toward it. Last evaluated 2015-08-10.

Conditions:
BRCA2-related disorder. Also called: BRCA2-related condition; BRCA2-related disorders. Identifiers: MedGen CN239275.
Hereditary cancer-predisposing syndrome. Also called: Tumor predisposition; Neoplastic Syndromes, Hereditary; Hereditary neoplastic syndrome; Hereditary Cancer Syndrome. Identifiers: Orphanet 140162, MedGen C0027672, MeSH D009386, MONDO:0015356.
Hereditary breast ovarian cancer syndrome. Also called: Hereditary breast and ovarian cancer; BRCA1- and BRCA2-Associated Hereditary Breast and Ovarian Cancer; Hereditary breast and/or ovarian cancer syndrome; Hereditary breast and ovarian cancer syndrome; Breast and ovarian cancer; Hereditary breast and ovarian cancer syndrome (HBOC). Identifiers: Orphanet 145, MedGen C0677776, MeSH D061325, MONDO:0003582. Disease mechanism: loss of function.
Breast-ovarian cancer, familial, susceptibility to, 2 (BROVCA2). Also called: BRCA2 Hereditary Breast and Ovarian Cancer. Identifiers: Orphanet 145, MedGen C2675520, MONDO:0012933, OMIM 612555. Disease mechanism: loss of function.

Allele frequency attached by ClinVar (database versions not stated): ExAC 0.00001; gnomAD exomes 0.00004; gnomAD 0.00013 and 0.00014; TOPMed 0.00036.
gnomAD v4.1: 108 of 1,613,150 alleles (0.0067%); highest among the groups gnomAD compares: Admixed American, 0.045%; no homozygotes.

Submissions (12):

Evidence-based Network for the Interpretation of Germline Mutant Alleles (ENIGMA)
Classification: Benign for Breast-ovarian cancer, familial 2. Last evaluated: 2015-08-10. Review status: reviewed by expert panel. Criteria: ENIGMA BRCA1/2 Classification Criteria (2015). Collection method: curation. Allele origin: germline.
Comment: IARC class based on posterior probability from multifactorial likelihood analysis, thresholds for class as per Plon et al. 2008 (PMID: 18951446). Class 1 based on posterior probability = 0.0000316

Labcorp Genetics (formerly Invitae), Labcorp
Classification: Benign for Hereditary breast ovarian cancer syndrome. Last evaluated: 2026-01-06. Review status: criteria provided, single submitter. Criteria: Invitae Variant Classification Sherloc (09022015). Collection method: clinical testing. Allele origin: germline. Not counted in ClinVar's aggregate classification.

Blueprint Genetics
Classification: Likely benign. Last evaluated: 2024-07-31. Review status: criteria provided, single submitter. Criteria: ACMG Guidelines, 2015. Collection method: clinical testing. Allele origin: germline. Not counted in ClinVar's aggregate classification.

ARUP Laboratories, Molecular Genetics and Genomics, ARUP Laboratories
Classification: Likely benign. Last evaluated: 2022-02-01. Review status: criteria provided, single submitter. Criteria: ARUP Molecular Germline Variant Investigation Process 2021. Collection method: clinical testing. Allele origin: germline. Not counted in ClinVar's aggregate classification.

Mendelics
Classification: Likely benign for Breast-ovarian cancer, familial, susceptibility to, 2. Last evaluated: 2019-05-28. Review status: criteria provided, single submitter. Criteria: Mendelics Assertion Criteria 2017. Collection method: clinical testing. Allele origin: unknown. Not counted in ClinVar's aggregate classification.

GeneDx
Classification: Likely benign. Last evaluated: 2017-10-31. Review status: criteria provided, single submitter. Criteria: GeneDx Variant Classification (06012015). Collection method: clinical testing. Allele origin: germline. Affected: yes. Not counted in ClinVar's aggregate classification.
Comment: This variant is considered likely benign or benign based on one or more of the following criteria: it is a conservative change, it occurs at a poorly conserved position in the protein, it is predicted to be benign by multiple in silico algorithms, and/or has population frequency not consistent with disease.

Women's Health and Genetics/Laboratory Corporation of America, LabCorp
Classification: Benign. Last evaluated: 2016-04-22. Review status: criteria provided, single submitter. Criteria: LabCorp Variant Classification Summary - May 2015. Collection method: clinical testing. Allele origin: germline. Not counted in ClinVar's aggregate classification.
Comment: Variant summary: The c.502C>A is a missense variant involves a conserved nucleotide and 5/5 in silico tools predict deleterious outcome. The variant is present in the control population dataset of ExAC at a frequency of 0.00084%, which does not exceed the maximal expected allele frequency for a non-common pathogenic BRCA2 variant (0.075%). The fact, that this variant co-occurred with different deleterious mutations in both BRCA1 and BRCA2 genes, suggest a non-disease causing nature of this variant. Diagnostics centers and several published reports classified this variant as Likely Benign and Benign. Taken all together, the variant was classified as Benign.

Color Diagnostics, LLC DBA Color Health
Classification: Likely benign for Hereditary cancer-predisposing syndrome. Last evaluated: 2016-03-02. Review status: criteria provided, single submitter. Criteria: ACMG Guidelines, 2015. Collection method: clinical testing. Allele origin: germline. Not counted in ClinVar's aggregate classification.

Ambry Genetics
Classification: Benign for Hereditary cancer-predisposing syndrome. Last evaluated: 2014-11-10. Review status: criteria provided, single submitter. Criteria: Ambry Variant Classification Scheme 2023. Collection method: clinical testing. Allele origin: germline. Not counted in ClinVar's aggregate classification.

Eurofins Ntd Llc (ga)
Classification: Uncertain significance. Last evaluated: 2014-08-22. Review status: criteria provided, single submitter. Criteria: EGL Classification Definitions 2015. Collection method: clinical testing. Allele origin: germline. Observed: 3 variant alleles, 3 heterozygotes. Not counted in ClinVar's aggregate classification.

PreventionGenetics, part of Exact Sciences
Classification: Likely benign for BRCA2-related condition. Last evaluated: 2019-03-28. Review status: no assertion criteria provided. Collection method: clinical testing. Allele origin: germline. Not counted in ClinVar's aggregate classification.
Comment: This variant is classified as likely benign based on ACMG/AMP sequence variant interpretation guidelines (Richards et al. 2015 PMID: 25741868, with internal and published modifications).

Breast Cancer Information Core (BIC) (BRCA2)
Classification: Uncertain significance for Breast-ovarian cancer, familial 2. Last evaluated: 2002-05-29. Review status: no assertion criteria provided. Collection method: clinical testing. Allele origin: germline. Affected: yes. Observed: 11 variant alleles. Not counted in ClinVar's aggregate classification.

Literature cited by the submitters: PubMed 21990134 (cited by Evidence-based Network for the Interpretation of Germline Mutant Alleles (ENIGMA) and Women's Health and Genetics/Laboratory Corporation of America, LabCorp); PubMed 16030099 (cited by Women's Health and Genetics/Laboratory Corporation of America, LabCorp); PubMed 15880509 (cited by Women's Health and Genetics/Laboratory Corporation of America, LabCorp); PubMed 17899372 (cited by Women's Health and Genetics/Laboratory Corporation of America, LabCorp); PubMed 17924331 (cited by Women's Health and Genetics/Laboratory Corporation of America, LabCorp); PubMed 24323938 (cited by Women's Health and Genetics/Laboratory Corporation of America, LabCorp); PubMed 25503501 (cited by Women's Health and Genetics/Laboratory Corporation of America, LabCorp); PubMed 24814045 (cited by Women's Health and Genetics/Laboratory Corporation of America, LabCorp).

NM_000059.4(BRCA2):c.502C>A (p.Pro168Thr)

Gene: BRCA2 (BRCA2 DNA repair associated; plus strand). Cytogenetic location: 13q13.1.
Variant type: single nucleotide variant.
Coding change: c.502C>A on transcript NM_000059.4 (MANE Select); coding-DNA position 502, C replaced by A.
Protein change: p.Pro168Thr; replaces proline 168 with threonine.
Molecular consequence: missense variant.
Genome position (GRCh38, 1-based): chr13:32,326,268, C>A. VCF-style: chr13-32326268-C-A. GRCh37 (hg19) VCF-style: chr13-32900405-C-A.
Other names: p.P168T:CCA>ACA; 730C>A; short protein forms P168T.
Identifiers: ClinVar variation 51757 (VCV000051757.35), dbSNP rs80358726, ClinGen allele CA021152.